The following is an entry in ClinVar:

NM_014249.4(NR2E3):c.946_948delinsAA (p.Asp316fs)

Gene: NR2E3 (nuclear receptor subfamily 2 group E member 3; plus strand). Cytogenetic location: 15q23.
Variant type: Indel.
Coding change: c.946_948delinsAA on transcript NM_014249.4 (MANE Select); coding-DNA positions 946 to 948, GAC replaced by AA.
Protein change: p.Asp316fs; shifts the reading frame from aspartic acid 316.
Molecular consequence: frameshift variant.
Genome position (GRCh38, 1-based): chr15:71,813,587-71,813,589, GAC replaced by AA. VCF-style: chr15-71813587-GAC-AA.
Other names: c.946_948delinsAA, p.Asp316fs (NM_016346.4); c.946_948delGACinsAA (NM_014249.3); short protein forms D316fs.
Identifiers: ClinVar variation 4081560 (VCV004081560.2).
Genomic context (GRCh38, chr15:71,813,587, plus strand): 5'-GCCAGCATGGAGACGCGTGTCCTGCAGGAAACTATCTCTCGGTTCCGGGCATTGGCGGTG[GAC>AA]CCCACGGAGTTTGCCTGCATGAAGGCCTTGGTCCTCTTCAAGCCAGGTAACTGAGTCTCT-3'

ClinVar aggregate classification (germline): Likely pathogenic. Review status: criteria provided, multiple submitters, no conflicts (2 of 4 stars). 2 submissions from 2 submitters: Likely pathogenic (2). Last evaluated 2025-02-08.

Conditions:
Enhanced S-cone syndrome (ESCS). Identifiers: Orphanet 53540, MedGen C1849394, MONDO:0100288, MONDO:0009989.

Submissions (2):

Natera, Inc.
Classification: Likely pathogenic for Enhanced S cone syndrome. Last evaluated: 2025-02-08. Review status: criteria provided, single submitter. Criteria: Natera Variant Classification Schema (03/2026). Collection method: clinical testing. Allele origin: germline.
Comment: The c.946_948delGACinsAA variant in NR2E3 is a frameshift variant predicted to shift the reading frame beginning at codon 316 and leads to a stop codon 8 codons downstream. This variant is expected to result in nonsense mediated decay, truncation, or a dysfunctional protein product. This variant is rare in the general population with a frequency below the threshold expected for the associated phenotype(s). Given the available evidence, this variant is classified as Likely Pathogenic.

Revvity Omics, Revvity
Classification: Likely pathogenic. Last evaluated: 2024-09-26. Review status: criteria provided, single submitter. Criteria: ACMG Guidelines, 2015. Collection method: clinical testing. Allele origin: germline.